The following is an entry in ClinVar:

ClinVar aggregate classification (germline): Uncertain significance (1 of 4 stars; one submission).

Submission:

GeneDx
Classification: Uncertain significance. Last evaluated: 2025-04-06. Review status: criteria provided, single submitter. Criteria: GeneDx Variant Classification Process June 2021. Collection method: clinical testing. Allele origin: germline. Affected: yes.
Comment: Not observed at significant frequency in large population cohorts (gnomAD); In silico analysis supports that this missense variant has a deleterious effect on protein structure/function; Has not been previously published as pathogenic or benign to our knowledge

NM_005273.4(GNB2):c.286C>G (p.Arg96Gly)

Gene: GNB2 (G protein subunit beta 2; plus strand). Cytogenetic location: 7q22.1.
Variant type: single nucleotide variant.
Coding change: c.286C>G on transcript NM_005273.4 (MANE Select); coding-DNA position 286, C replaced by G.
Protein change: p.Arg96Gly; replaces arginine 96 with glycine.
Molecular consequence: missense variant.
Genome position (GRCh38, 1-based): chr7:100,677,516, C>G. VCF-style: chr7-100677516-C-G. GRCh37 (hg19) VCF-style: chr7-100275139-C-G.
Other names: short protein forms R96G.
Identifiers: ClinVar variation 4278551 (VCV004278551.1).